The following is an entry in ClinVar:

ClinVar aggregate classification (germline): Uncertain significance. Review status: reviewed by expert panel (3 of 4 stars). 2 submissions from 2 submitters: Uncertain significance (1). 1 of the submissions does not count toward it. Last evaluated 2024-09-11.

Conditions:
Hereditary thrombocytopenia and hematologic cancer predisposition syndrome. Identifiers: Orphanet 71290, MedGen CN281654, MONDO:0011071.
Hereditary thrombocytopenia and hematological cancer predisposition syndrome associated with RUNX1. Also called: PLATELET DISORDER, ASPIRIN-LIKE; RUNX1 Familial Platelet Disorder with Associated Myeloid Malignancies; Familial Platelet Disorder with Propensity to Acute Myelogenous Leukemia; Familial thrombocytopenia with propensity to acute myelogenous leukemia. Identifiers: Orphanet 71290, MedGen C1832388, MeSH C563324, MONDO:0100083, OMIM 601399.

Allele frequency attached by ClinVar (database versions not stated): gnomAD 0.00001 and 0.00004; TOPMed 0.00004; 1000 Genomes Project 30x 0.00031; gnomAD exomes 0.00038; 1000 Genomes Project 0.00040.
gnomAD v4.1: 35 of 233,528 alleles (0.015%); highest among the groups gnomAD compares: East Asian, 0.2%; no homozygotes.

Submissions (2):

ClinGen Myeloid Malignancy Variant Curation Expert Panel
Classification: Uncertain significance for Hereditary thrombocytopenia and hematologic cancer predisposition syndrome. Last evaluated: 2024-09-11. Review status: reviewed by expert panel. Criteria: ClinGen MyeloMalig ACMG Specifications v2. Collection method: curation. Allele origin: germline. Inheritance: Autosomal dominant inheritance.
Comment: NM_001754.5(RUNX1):c.*3297T>C is a UTR variant which does not meet any ACMG/AMP criteria. In summary, the clinical significance of this variant is uncertain. ACMG/AMP criteria applied, as specified by the Myeloid Malignancy Variant Curation Expert Panel for RUNX1: None.

Illumina Laboratory Services, Illumina
Classification: Uncertain significance for Hereditary thrombocytopenia and hematological cancer predisposition syndrome associated with RUNX1. Last evaluated: 2018-01-13. Review status: criteria provided, single submitter. Criteria: ICSL Variant Classification Criteria 13 December 2019. Collection method: clinical testing. Allele origin: germline. Not counted in ClinVar's aggregate classification.

NM_001754.5(RUNX1):c.*3297T>C

Gene: RUNX1 (RUNX family transcription factor 1; minus strand). Cytogenetic location: 21q22.12.
Variant type: single nucleotide variant.
Coding change: c.*3297T>C on transcript NM_001754.5 (MANE Select); 3297 bases downstream of the stop codon, T replaced by C.
Molecular consequence: 3 prime UTR variant.
Genome position (GRCh38, 1-based): chr21:34,788,838, A>G on the plus strand (T>C on the coding strand, the complement: RUNX1 is on the minus strand). VCF-style: chr21-34788838-A-G. GRCh37 (hg19) VCF-style: chr21-36161135-A-G.
Other names: c.*3297T>C (NM_001001890.3).
Identifiers: ClinVar variation 339811 (VCV000339811.7), dbSNP rs144175289, ClinGen allele CA10650415.